The following is an entry in ClinVar:

ClinVar aggregate classification (germline): Uncertain significance (1 of 4 stars; one submission).

Submission:

GeneDx
Classification: Uncertain significance. Last evaluated: 2025-01-28. Review status: criteria provided, single submitter. Criteria: GeneDx Variant Classification Process June 2021. Collection method: clinical testing. Allele origin: germline. Affected: yes.
Comment: Not observed at significant frequency in large population cohorts (gnomAD); In silico analysis supports that this missense variant has a deleterious effect on protein structure/function; Has not been previously published as pathogenic or benign to our knowledge

NM_181672.3(OGT):c.2567C>G (p.Ser856Cys)

Gene: OGT (O-linked N-acetylglucosamine (GlcNAc) transferase; plus strand). Cytogenetic location: Xq13.1.
Variant type: single nucleotide variant.
Coding change: c.2567C>G on transcript NM_181672.3 (MANE Select); coding-DNA position 2567, C replaced by G.
Protein change: p.Ser856Cys; replaces serine 856 with cysteine.
Molecular consequence: missense variant.
Genome position (GRCh38, 1-based): chrX:71,564,731, C>G. VCF-style: chrX-71564731-C-G. GRCh37 (hg19) VCF-style: chrX-70784581-C-G.
Other names: c.2537C>G, p.Ser846Cys (NM_181673.3); short protein forms S846C, S856C.
Identifiers: ClinVar variation 4071901 (VCV004071901.1).
Genomic context (GRCh38, chrX:71,564,731, plus strand): 5'-GGTTACCAGAAGATGCCATCGTATACTGTAACTTTAATCAGTTGTATAAAATTGACCCTT[C>G]TACTTTGCAGATGTGGGCAAACGTGAGTATGCAAGTATGTTAGAGACTAATAAAGATTTT-3'
Protein context (NP_858058.1, residues 846-866): NFNQLYKIDP[Ser856Cys]TLQMWANILK